The following is an entry in ClinVar:

ClinVar aggregate classification (germline): Uncertain significance. Review status: criteria provided, multiple submitters, no conflicts (2 of 4 stars). 3 submissions from 3 submitters: Uncertain significance (3). Last evaluated 2026-08-16.

Conditions:
Cardiovascular phenotype. Identifiers: MedGen CN230736.
Cholestanol storage disease (CTX). Also called: Cerebrotendinous Xanthomatosis; CTX: Cerebrotendinous xanthomatosis; CEREBRAL CHOLESTERINOSIS. Identifiers: Orphanet 909, MedGen C0238052, MONDO:0008948, OMIM 213700.

Submissions (3):

Ambry Genetics
Classification: Uncertain significance for Cardiovascular phenotype. Last evaluated: 2026-08-16. Review status: criteria provided, single submitter. Criteria: Ambry Variant Classification Scheme 2023. Collection method: clinical testing. Allele origin: germline.
Comment: The p.P234T variant (also known as c.700C>A), located in coding exon 4 of the CYP27A1 gene, results from a C to A substitution at nucleotide position 700. The proline at codon 234 is replaced by threonine, an amino acid with highly similar properties. This amino acid position is conserved. In addition, the in silico prediction for this alteration is inconclusive. Based on the available evidence, the clinical significance of this variant remains unclear.

Mayo Clinic Laboratories, Mayo Clinic
Classification: Uncertain significance. Last evaluated: 2023-10-24. Review status: criteria provided, single submitter. Criteria: ACMG Guidelines, 2015. Collection method: clinical testing. Allele origin: germline. Observed: 1 variant allele.
Comment: PM2_moderate

Labcorp Genetics (formerly Invitae), Labcorp
Classification: Uncertain significance for Cholestanol storage disease. Last evaluated: 2021-10-18. Review status: criteria provided, single submitter. Criteria: Invitae Variant Classification Sherloc (09022015). Collection method: clinical testing. Allele origin: germline.
Comment: This sequence change replaces proline with threonine at codon 234 of the CYP27A1 protein (p.Pro234Thr). The proline residue is highly conserved and there is a small physicochemical difference between proline and threonine. This variant is not present in population databases (ExAC no frequency). This variant has not been reported in the literature in individuals with CYP27A1-related conditions. Advanced modeling of protein sequence and biophysical properties (such as structural, functional, and spatial information, amino acid conservation, physicochemical variation, residue mobility, and thermodynamic stability) performed at Invitae indicates that this missense variant is not expected to disrupt CYP27A1 protein function. In summary, the available evidence is currently insufficient to determine the role of this variant in disease. Therefore, it has been classified as a Variant of Uncertain Significance.

NM_000784.4(CYP27A1):c.700C>A (p.Pro234Thr)

Gene: CYP27A1 (cytochrome P450 family 27 subfamily A member 1; plus strand). Cytogenetic location: 2q35.
Variant type: single nucleotide variant.
Coding change: c.700C>A on transcript NM_000784.4 (MANE Select); coding-DNA position 700, C replaced by A.
Protein change: p.Pro234Thr; replaces proline 234 with threonine.
Molecular consequence: missense variant.
Genome position (GRCh38, 1-based): chr2:218,812,605, C>A. VCF-style: chr2-218812605-C-A. GRCh37 (hg19) VCF-style: chr2-219677328-C-A.
Other names: p.Pro234Thr; c.700C>A (NM_000784.3); short protein forms P234T.
Identifiers: ClinVar variation 1408412 (VCV001408412.5), dbSNP rs2105980154, ClinGen allele CA350586310.
Genomic context (GRCh38, chr2:218,812,605, plus strand): 5'-TACTCAGCTATTTGCTACATCCTGTTCGAGAAACGCATTGGCTGCCTGCAGCGATCCATC[C>A]CCGAGGACACCGTGACCTTCGTCAGATCCATCGGGTTAATGTTCCAGAACTCACTCTATG-3'
Protein context (NP_000775.1, residues 224-244): KRIGCLQRSI[Pro234Thr]EDTVTFVRSI